The following is an entry in ClinVar:

ClinVar aggregate classification (germline): Conflicting classifications of pathogenicity. Review status: criteria provided, conflicting classifications (1 of 4 stars). 2 submissions from 2 submitters: Uncertain significance (1); Likely benign (1). Last evaluated 2026-05-03.

Conditions:
Inborn genetic diseases. Identifiers: MedGen C0950123, MeSH D030342.

Allele frequency attached by ClinVar (database versions not stated): TOPMed below 0.00001; ExAC 0.00002; gnomAD exomes below 0.00001; gnomAD 0.00001.
gnomAD v4.1: 6 of 1,614,090 alleles (0.00037%); highest among the groups gnomAD compares: Admixed American, 0.0033%; no homozygotes.

Submissions (2):

Ambry Genetics
Classification: Likely benign for Inborn genetic diseases. Last evaluated: 2026-05-03. Review status: criteria provided, single submitter. Criteria: Ambry Variant Classification Scheme 2023. Collection method: clinical testing. Allele origin: germline.

Labcorp Genetics (formerly Invitae), Labcorp
Classification: Uncertain significance. Last evaluated: 2023-08-01. Review status: criteria provided, single submitter. Criteria: Invitae Variant Classification Sherloc (09022015). Collection method: clinical testing. Allele origin: germline.
Comment: This sequence change replaces arginine, which is basic and polar, with lysine, which is basic and polar, at codon 718 of the ASXL1 protein (p.Arg718Lys). This variant is present in population databases (rs754554150, gnomAD 0.003%). This variant has not been reported in the literature in individuals affected with ASXL1-related conditions. Algorithms developed to predict the effect of missense changes on protein structure and function output the following: SIFT: "Not Available"; PolyPhen-2: "Benign"; Align-GVGD: "Not Available". The lysine amino acid residue is found in multiple mammalian species, which suggests that this missense change does not adversely affect protein function. In summary, the available evidence is currently insufficient to determine the role of this variant in disease. Therefore, it has been classified as a Variant of Uncertain Significance.

NM_015338.6(ASXL1):c.2153G>A (p.Arg718Lys)

Gene: ASXL1 (ASXL transcriptional regulator 1; plus strand). Cytogenetic location: 20q11.21.
Variant type: single nucleotide variant.
Coding change: c.2153G>A on transcript NM_015338.6 (MANE Select); coding-DNA position 2153, G replaced by A.
Protein change: p.Arg718Lys; replaces arginine 718 with lysine.
Molecular consequence: missense variant.
Genome position (GRCh38, 1-based): chr20:32,434,865, G>A. VCF-style: chr20-32434865-G-A. GRCh37 (hg19) VCF-style: chr20-31022668-G-A.
Other names: c.1970G>A, p.Arg657Lys (NM_001363734.1); short protein forms R718K, R657K.
Identifiers: ClinVar variation 2988719 (VCV002988719.4), dbSNP rs754554150, ClinGen allele CA9808553.